The following is an entry in ClinVar:

NM_001378454.1(ALMS1):c.12108C>G (p.Thr4036=)

Genes: ALMS1 (ALMS1 centrosome and basal body associated protein; plus strand), LOC126806252 (BRD4-independent group 4 enhancer GRCh37_chr2:73828496-73829695; plus strand). Cytogenetic location: 2p13.1.
Variant type: single nucleotide variant.
Coding change: c.12108C>G on transcript NM_001378454.1 (MANE Select); coding-DNA position 12108, C replaced by G.
Protein change: p.Thr4036=; no amino-acid change (threonine 4036 retained).
Molecular consequence: synonymous variant.
Genome position (GRCh38, 1-based): chr2:73,601,430, C>G. VCF-style: chr2-73601430-C-G. GRCh37 (hg19) VCF-style: chr2-73828557-C-G.
Other names: c.12111C>G, p.Thr4037= (NM_015120.4).
Identifiers: ClinVar variation 390585 (VCV000390585.12), dbSNP rs767174517, ClinGen allele CA1715426.

ClinVar aggregate classification (germline): Conflicting classifications of pathogenicity. Review status: criteria provided, conflicting classifications (1 of 4 stars). 3 submissions from 3 submitters: Uncertain significance (1); Likely benign (2). Last evaluated 2025-12-23.

Conditions:
Cardiovascular phenotype. Identifiers: MedGen CN230736.
Alstrom syndrome (ALMS). Identifiers: Orphanet 64, MedGen C0268425, MONDO:0008763, OMIM 203800.

Allele frequency attached by ClinVar (database versions not stated): gnomAD 0.00001; TOPMed 0.00002.
gnomAD v4.1: 46 of 1,613,930 alleles (0.0029%); highest among the groups gnomAD compares: Non-Finnish European, 0.0036%; no homozygotes.

Submissions (3):

Labcorp Genetics (formerly Invitae), Labcorp
Classification: Likely benign for Alstrom syndrome. Last evaluated: 2025-12-23. Review status: criteria provided, single submitter. Criteria: Invitae Variant Classification Sherloc (09022015). Collection method: clinical testing. Allele origin: germline.

Ambry Genetics
Classification: Likely benign for Cardiovascular phenotype. Last evaluated: 2024-12-17. Review status: criteria provided, single submitter. Criteria: Ambry Variant Classification Scheme 2023. Collection method: clinical testing. Allele origin: germline.

GeneDx
Classification: Uncertain significance. Last evaluated: 2016-11-04. Review status: criteria provided, single submitter. Criteria: GeneDx Variant Classification (06012015). Collection method: clinical testing. Allele origin: germline. Affected: yes.
Comment: Although the c.12111 C>G variant is a synonymous change, one splicing algorithm suggests that this nucleotide substitution destroys the natural splice donor site in intron 19, and may lead to abnormal splicing. The c.12111 C>G variant has not been published as a pathogenic variant, nor has it been reported as a benign variant to our knowledge. The c.12111 C>G variant was not observed in approximately 6500 individuals of European and African American ancestry in the NHLBI Exome Sequencing Project. Nonetheless, two other splicing algorithims predict no effect to the natural splice donor site in intron 19. Furthermore, this nucletotide substitution is not conserved across species. Segregation and functional mRNA studies are necessary to clarify the role of this variant in disease.